The following is an entry in ClinVar:

ClinVar aggregate classification (germline): Uncertain significance (1 of 4 stars; one submission).

Submission:

CeGaT Center for Human Genetics Tuebingen
Classification: Uncertain significance. Last evaluated: 2025-08-01. Review status: criteria provided, single submitter. Criteria: CeGaT Center For Human Genetics Tuebingen Variant Classification Criteria Version 2. Collection method: clinical testing. Allele origin: germline. Affected: yes. Observed: 1 variant allele.
Comment: TSC22D1: PM2

NM_183422.4(TSC22D1):c.405_406del (p.Ser137fs)

Gene: TSC22D1 (TSC22 domain family member 1; minus strand). Cytogenetic location: 13q14.11.
Variant type: Deletion.
Coding change: c.405_406del on transcript NM_183422.4 (MANE Select); coding-DNA positions 405 to 406, 2 bases deleted (TG; older notation c.405_406delTG).
Protein change: p.Ser137fs; shifts the reading frame from serine 137.
Molecular consequence: frameshift variant.
Genome position (GRCh38, 1-based): chr13:44,575,669-44,575,670, CA deleted on the plus strand (TG on the coding strand, the reverse complement: TSC22D1 is on the minus strand). VCF-style (leftmost placement, unchanged base first): chr13-44575668-TCA-T. GRCh37 (hg19) VCF-style: chr13-45149804-TCA-T.
Other names: c.405_406del, p.Ser137fs (NM_001243799.1); short protein forms S137fs.
Identifiers: ClinVar variation 4085825 (VCV004085825.8).